The following is an entry in ClinVar:

NM_138413.4(HOGA1):c.834+1G>T

Gene: HOGA1 (4-hydroxy-2-oxoglutarate aldolase 1; plus strand). Cytogenetic location: 10q24.2.
Variant type: single nucleotide variant.
Coding change: c.834+1G>T on transcript NM_138413.4 (MANE Select); the canonical splice donor site of the intron after coding-DNA position 834, G replaced by T.
Molecular consequence: splice donor variant.
Genome position (GRCh38, 1-based): chr10:97,601,991, G>T. VCF-style: chr10-97601991-G-T. GRCh37 (hg19) VCF-style: chr10-99361748-G-T.
Other names: c.345+1G>T (NM_001134670.2).
Identifiers: ClinVar variation 632144 (VCV000632144.4), dbSNP rs749315029, ClinGen allele CA5634257.
Genomic context (GRCh38, chr10:97,601,991, plus strand): 5'-ACGGGGCAATGGGAAGATGCCCAGAAACTGCAGCACCGCCTCATTGAGCCAAACGCTGCG[G>T]TGAGCCAGTGGCAGCGGGGGCGCGGCCTGGCGGGGGGTGGGCAGTCTGTGTCCTCATTGG-3'

ClinVar aggregate classification (germline): Likely pathogenic (1 of 4 stars; one submission).

Conditions:
Primary hyperoxaluria type 3. Also called: PH III. Identifiers: Orphanet 416, Orphanet 93600, MedGen C3150878, MONDO:0013327, OMIM 613616. Disease mechanism: loss of function.

Allele frequency attached by ClinVar (database versions not stated): gnomAD 0.00001 and 0.00003; TOPMed 0.00002; ExAC 0.00011.
gnomAD v4.1: 24 of 1,611,336 alleles (0.0015%); highest among the groups gnomAD compares: East Asian, 0.036%; no homozygotes.

Submission:

Illumina Laboratory Services, Illumina
Classification: Likely pathogenic for Primary hyperoxaluria type 3. Last evaluated: 2019-01-11. Review status: criteria provided, single submitter. Criteria: ICSL Variant Classification Criteria 09 May 2019. Collection method: clinical testing. Allele origin: germline.
Comment: The HOGA1 c.834+1G>T variant occurs in a canonical splice site (donor) and is therefore predicted to disrupt or distort the normal gene product. The c.834+1G>T variant has been reported in two studies in which it is found in five individuals from three families affected with primary hyperoxaluria, including in one in a homozygous state and in four in a compound heterozygous state. The variant was absent from 79 control individuals and is reported at a frequency of 0.000725 in the East Asian population of the Genome Aggregation Database. Based on the potential impact of splice donor variants and the evidence, the c.834+1G>T variant is classified as likely pathogenic for primary hyperoxaluria. This variant was observed by ICSL as part of a predisposition screen in an ostensibly healthy population.

Literature cited by the submitters: PubMed 28711958; PubMed 25972204.